The following is an entry in ClinVar:

ClinVar aggregate classification (germline): Uncertain significance (1 of 4 stars; one submission).

Submission:

GeneDx
Classification: Uncertain significance. Last evaluated: 2025-07-23. Review status: criteria provided, single submitter. Criteria: GeneDx Variant Classification Process June 2021. Collection method: clinical testing. Allele origin: germline. Affected: yes.
Comment: Not observed at significant frequency in large population cohorts (gnomAD); In silico analysis supports that this missense variant has a deleterious effect on protein structure/function; Has not been previously published as pathogenic or benign to our knowledge

NM_022463.5(NXN):c.652T>C (p.Ser218Pro)

Gene: NXN (nucleoredoxin; minus strand). Cytogenetic location: 17p13.3.
Variant type: single nucleotide variant.
Coding change: c.652T>C on transcript NM_022463.5 (MANE Select); coding-DNA position 652, T replaced by C.
Protein change: p.Ser218Pro; replaces serine 218 with proline.
Molecular consequence: missense variant.
Genome position (GRCh38, 1-based): chr17:822,418, A>G on the plus strand (T>C on the coding strand, the complement: NXN is on the minus strand). VCF-style: chr17-822418-A-G. GRCh37 (hg19) VCF-style: chr17-725658-A-G.
Other names: c.328T>C, p.Ser110Pro (NM_001205319.1); short protein forms S110P, S218P.
Identifiers: ClinVar variation 4686753 (VCV004686753.1).